The following is an entry in ClinVar:

NM_020822.3(KCNT1):c.2350-5C>T

Gene: KCNT1 (potassium sodium-activated channel subfamily T member 1; plus strand). Cytogenetic location: 9q34.3.
Variant type: single nucleotide variant.
Coding change: c.2350-5C>T on transcript NM_020822.3 (MANE Select); 5 bases into the intron before coding-DNA position 2350, C replaced by T.
Molecular consequence: intron variant.
Genome position (GRCh38, 1-based): chr9:135,777,333, C>T. VCF-style: chr9-135777333-C-T. GRCh37 (hg19) VCF-style: chr9-138669179-C-T.
Other names: c.2215-5C>T (NM_001272003.2).
Identifiers: ClinVar variation 388791 (VCV000388791.14), dbSNP rs965133345, ClinGen allele CA16606405.
Genomic context (GRCh38, chr9:135,777,333, plus strand): 5'-GGGCTCCAGTGGCCAGCAGGAACCACAGCCCTGACTCCAGCCCTGACTCCAGCATCTGCC[C>T]CCAGGGCTGCAAGCACAACAGCTATGAAGACGCCAAGGCCTACGGGTTCAAGAACAAGCT-3'

ClinVar aggregate classification (germline): Conflicting classifications of pathogenicity. Review status: criteria provided, conflicting classifications (1 of 4 stars). 6 submissions from 5 submitters: Uncertain significance (1); Likely benign (5). Last evaluated 2025-01-06.

Conditions:
Inborn genetic diseases. Identifiers: MedGen C0950123, MeSH D030342.
Developmental and epileptic encephalopathy, 14 (DEE14). Also called: Early infantile epileptic encephalopathy 14. Identifiers: Orphanet 293181, MedGen C3554195, MONDO:0013989, OMIM 614959.
Autosomal dominant nocturnal frontal lobe epilepsy 5. Also called: KCNT1-Related Epilepsy; CILIARY DYSKINESIA, PRIMARY, 28, WITHOUT SITUS INVERSUS; CILIARY DYSKINESIA, PRIMARY, 28, WITH SITUS INVERSUS; Epilepsy, nocturnal frontal lobe, 5. Identifiers: Orphanet 98784, MedGen C3554306, MONDO:0014002, OMIM 615005.

Allele frequency attached by ClinVar (database versions not stated): gnomAD 0.00001; gnomAD exomes 0.00001 and 0.00002; TOPMed 0.00001.
gnomAD v4.1: 33 of 1,612,494 alleles (0.002%); highest among the groups gnomAD compares: Middle Eastern, 0.017%; no homozygotes.

Submissions (6):

Labcorp Genetics (formerly Invitae), Labcorp
Classification: Likely benign for Autosomal dominant nocturnal frontal lobe epilepsy 5; Developmental and epileptic encephalopathy, 14. Last evaluated: 2025-01-06. Review status: criteria provided, single submitter. Criteria: Invitae Variant Classification Sherloc (09022015). Collection method: clinical testing. Allele origin: germline.

Blueprint Genetics
Classification: Likely benign. Last evaluated: 2022-06-07. Review status: criteria provided, single submitter. Criteria: ACMG Guidelines, 2015. Collection method: clinical testing. Allele origin: germline.

Genome-Nilou Lab
Classification: Likely benign for Developmental and epileptic encephalopathy, 14. Last evaluated: 2022-03-15. Review status: criteria provided, single submitter. Criteria: ACMG Guidelines, 2015. Collection method: clinical testing. Allele origin: germline. Affected: no.

Genome-Nilou Lab
Classification: Likely benign for Autosomal dominant nocturnal frontal lobe epilepsy 5. Last evaluated: 2022-03-15. Review status: criteria provided, single submitter. Criteria: ACMG Guidelines, 2015. Collection method: clinical testing. Allele origin: germline. Affected: no.

Ambry Genetics
Classification: Uncertain significance for Inborn genetic diseases. Last evaluated: 2019-03-29. Review status: criteria provided, single submitter. Criteria: Ambry Variant Classification Scheme 2023. Collection method: clinical testing. Allele origin: germline.
Comment: The c.2350-5C>T intronic variant results from a C to T substitution 5 nucleotides upstream from coding exon 21 in the KCNT1 gene. This nucleotide position is well conserved in available vertebrate species. Using the BDGP and ESEfinder splice site prediction tools, this alteration is not predicted to have any significant effect on this splice acceptor site; however, direct evidence is unavailable. Since supporting evidence is limited at this time, the clinical significance of this alteration remains unclear.

GeneDx
Classification: Likely benign. Last evaluated: 2016-08-22. Review status: criteria provided, single submitter. Criteria: GeneDx Variant Classification (06012015). Collection method: clinical testing. Allele origin: germline. Affected: yes.
Comment: This variant is considered likely benign or benign based on one or more of the following criteria: it is a conservative change, it occurs at a poorly conserved position in the protein, it is predicted to be benign by multiple in silico algorithms, and/or has population frequency not consistent with disease.